The following is an entry in ClinVar:

ClinVar aggregate classification (germline): Pathogenic (1 of 4 stars; one submission).

Conditions:
Neuromuscular disease caused by qualitative or quantitative defects of dysferlin. Also called: Qualitative or quantitative defects of dysferlin; Dysferlinopathy. Identifiers: Orphanet 207073, MedGen C2931687, MONDO:0016145.

Submission:

Labcorp Genetics (formerly Invitae), Labcorp
Classification: Pathogenic for Neuromuscular disease caused by qualitative or quantitative defects of dysferlin. Last evaluated: 2023-08-11. Review status: criteria provided, single submitter. Criteria: Invitae Variant Classification Sherloc (09022015). Collection method: clinical testing. Allele origin: unknown.
Comment: For these reasons, this variant has been classified as Pathogenic. This variant has not been reported in the literature in individuals affected with DYSF-related conditions. This variant is a gross deletion of the genomic region encompassing exon(s) 22 of the DYSF gene. This deletion is out-of-frame, and is expected to create a premature termination codon and result in an absent or disrupted protein product. Loss-of-function variants in DYSF are known to be pathogenic (PMID: 17698709, 20301480).

Literature cited by the submitters: PubMed 17698709; PubMed 20301480.

NC_000002.11:g.(?_71783075)_(71783221_?)del

Gene: DYSF (dysferlin; plus strand). Cytogenetic location: 2p13.2.
Variant type: Deletion.
Identifiers: ClinVar variation 3247365 (VCV003247365.1).